The following is an entry in ClinVar:

NM_001378457.1(DMXL2):c.2096T>C (p.Ile699Thr)

Gene: DMXL2 (Dmx like 2; minus strand). Cytogenetic location: 15q21.2.
Variant type: single nucleotide variant.
Coding change: c.2096T>C on transcript NM_001378457.1 (MANE Select); coding-DNA position 2096, T replaced by C.
Protein change: p.Ile699Thr; replaces isoleucine 699 with threonine.
Molecular consequence: missense variant. On other transcripts: non-coding transcript variant (2).
Genome position (GRCh38, 1-based): chr15:51,536,384, A>G on the plus strand (T>C on the coding strand, the complement: DMXL2 is on the minus strand). VCF-style: chr15-51536384-A-G. GRCh37 (hg19) VCF-style: chr15-51828581-A-G.
Other names: p.Ile699Thr; c.2096T>C, p.Ile699Thr (NM_001174116.3, NM_001174117.3, NM_001378458.1 and 6 more transcripts); c.1856T>C, p.Ile619Thr (NM_001378464.1); c.2096T>C (NM_001174116.1, NM_001174116.2); short protein forms I699T, I619T.
Identifiers: ClinVar variation 1512307 (VCV001512307.26), dbSNP rs117017152, ClinGen allele CA7562456.

ClinVar aggregate classification (germline): Conflicting classifications of pathogenicity. Review status: criteria provided, conflicting classifications (1 of 4 stars). 6 submissions from 6 submitters: Uncertain significance (3); Likely benign (3). Last evaluated 2026-06-16.

Conditions:
DMXL2-related disorder. Also called: DMXL2-related condition.
Inborn genetic diseases. Identifiers: MedGen C0950123, MeSH D030342.

Allele frequency attached by ClinVar (database versions not stated): ExAC 0.00034; gnomAD 0.00037 and 0.00040; 1000 Genomes Project 0.00040; 1000 Genomes Project 30x 0.00047; TOPMed 0.00064; ESP Exome Variant Server 0.00077.
gnomAD v4.1: 1,236 of 1,613,632 alleles (0.077%); highest among the groups gnomAD compares: Admixed American, 0.11%; 3 homozygotes.

Submissions (6):

PreventionGenetics, part of Exact Sciences
Classification: Uncertain significance for DMXL2-related condition. Last evaluated: 2026-06-16. Review status: criteria provided, single submitter. Criteria: ACMG Guidelines, 2015. Collection method: clinical testing. Allele origin: germline.
Comment: The DMXL2 c.2096T>C variant is predicted to result in the amino acid substitution p.Ile699Thr. To our knowledge, this variant has not been reported in the literature. This variant is reported in 0.14% of alleles in individuals of Latino descent in gnomAD, which may be too frequent to be a primary cause of disease. Of note, in multiple species a threonine (Thr) is present at the Ile699 residue. Although we suspect that this variant may be benign, at this time, the clinical significance of this variant is uncertain due to the absence of conclusive functional and genetic evidence.

Labcorp Genetics (formerly Invitae), Labcorp
Classification: Uncertain significance. Last evaluated: 2026-02-03. Review status: criteria provided, single submitter. Criteria: Invitae Variant Classification Sherloc (09022015). Collection method: clinical testing. Allele origin: germline.
Comment: This sequence change replaces isoleucine, which is neutral and non-polar, with threonine, which is neutral and polar, at codon 699 of the DMXL2 protein (p.Ile699Thr). This variant is present in population databases (rs117017152, gnomAD 0.1%), and has an allele count higher than expected for a pathogenic variant. This variant has not been reported in the literature in individuals affected with DMXL2-related conditions. ClinVar contains an entry for this variant (Variation ID: 1512307). An algorithm developed to predict the effect of missense changes on protein structure and function outputs the following: PolyPhen-2: "Benign". The threonine amino acid residue is found in multiple mammalian species, which suggests that this missense change does not adversely affect protein function. In summary, the available evidence is currently insufficient to determine the role of this variant in disease. Therefore, it has been classified as a Variant of Uncertain Significance.

CeGaT Center for Human Genetics Tuebingen
Classification: Likely benign. Last evaluated: 2025-06-01. Review status: criteria provided, single submitter. Criteria: CeGaT Center For Human Genetics Tuebingen Variant Classification Criteria Version 2. Collection method: clinical testing. Allele origin: germline. Affected: yes. Observed: 3 variant alleles.
Comment: DMXL2: BP4, BS1

Blueprint Genetics
Classification: Likely benign. Last evaluated: 2024-11-22. Review status: criteria provided, single submitter. Criteria: ACMG Guidelines, 2015. Collection method: clinical testing. Allele origin: germline.

Mayo Clinic Laboratories, Mayo Clinic
Classification: Uncertain significance. Last evaluated: 2022-07-28. Review status: criteria provided, single submitter. Criteria: ACMG Guidelines, 2015. Collection method: clinical testing. Allele origin: germline. Observed: 1 variant allele.
Comment: BP4

Ambry Genetics
Classification: Likely benign for Inborn genetic diseases. Last evaluated: 2021-09-16. Review status: criteria provided, single submitter. Criteria: Ambry Variant Classification Scheme 2023. Collection method: clinical testing. Allele origin: germline.